The following is an entry in ClinVar:

ClinVar aggregate classification (germline): Pathogenic/Likely pathogenic. Review status: criteria provided, multiple submitters, no conflicts (2 of 4 stars). 3 submissions from 3 submitters: Pathogenic (1); Likely pathogenic (2). Last evaluated 2025-06-01.

Conditions:
TCF4-related disorder. Also called: TCF4-related condition.
Pitt-Hopkins syndrome (PTHS). Also called: ENCEPHALOPATHY, SEVERE EPILEPTIC, WITH AUTONOMIC DYSFUNCTION; MENTAL RETARDATION, SYNDROMAL, WITH INTERMITTENT HYPERVENTILATION. Identifiers: Orphanet 2896, MedGen C1970431, MONDO:0012589, OMIM 610954.

Submissions (3):

CeGaT Center for Human Genetics Tuebingen
Classification: Likely pathogenic. Last evaluated: 2025-06-01. Review status: criteria provided, single submitter. Criteria: CeGaT Center For Human Genetics Tuebingen Variant Classification Criteria Version 2. Collection method: clinical testing. Allele origin: germline. Affected: yes. Observed: 1 variant allele.
Comment: TCF4: PM1, PM2, PP2, PP3

PreventionGenetics, part of Exact Sciences
Classification: Likely pathogenic for TCF4-related condition. Last evaluated: 2023-02-24. Review status: criteria provided, single submitter. Criteria: ACMG Guidelines, 2015. Collection method: clinical testing. Allele origin: germline.
Comment: The TCF4 c.1721A>G variant is predicted to result in the amino acid substitution p.Asn574Ser. To our knowledge, this variant has not been reported in the literature or in a large population database, indicating this variant is rare. This variant is interpreted as likely pathogenic.

Pittsburgh Clinical Genomics Laboratory, University of Pittsburgh Medical Center
Classification: Pathogenic for Pitt-Hopkins syndrome. Last evaluated: 2022-09-14. Review status: criteria provided, single submitter. Criteria: ACMG Guidelines, 2015. Collection method: clinical testing. Allele origin: germline. Inheritance: Autosomal dominant inheritance. Affected: yes.
Comment: This sequence variant is a single base substitution (A>G) at coding nucleotide 1721 of the TCF4 gene that results in asparagine to serine amino acid change at residue 574 of the TCF4 protein. The Asn574 residue is in the basic-helix-loop-helix D binding domain, and crystallographic studies of this protein have demonstrated that this residue binds to the D which is critical to TCF4's role as a transcription factor (PMID: 31081034). This is a novel variant that is not reported in an online database of clinically annotated variants (ClinVar), is absent from control population data sets (gnomAD database, 0 of approximately 250,000 alleles), and has not been observed in the published literature, to our knowledge. Multiple bioinformatic tools predict that this asparagine to serine amino acid change would be damaging, and the Asn574 residue is strongly conserved across the vertebrate species examined. Studies examining the functiol consequence of this variant have not been published, to our knowledge. This is de novo variant is not observed in either parent. Given this information, we consider this a pathogenic variant. ACMG Criteria: PM1, PM2, PM5, PP3, PS2

Literature cited by the submitters: PubMed 31081034 (cited by Pittsburgh Clinical Genomics Laboratory, University of Pittsburgh Medical Center).

NM_001083962.2(TCF4):c.1721A>G (p.Asn574Ser)

Gene: TCF4 (transcription factor 4; minus strand). Cytogenetic location: 18q21.2.
Variant type: single nucleotide variant.
Coding change: c.1721A>G on transcript NM_001083962.2 (MANE Select); coding-DNA position 1721, A replaced by G.
Protein change: p.Asn574Ser; replaces asparagine 574 with serine.
Molecular consequence: missense variant.
Genome position (GRCh38, 1-based): chr18:55,229,005, T>C on the plus strand (A>G on the coding strand, the complement: TCF4 is on the minus strand). VCF-style: chr18-55229005-T-C. GRCh37 (hg19) VCF-style: chr18-52896236-T-C.
Other names: c.2027A>G, p.Asn676Ser (NM_001243226.3); c.1649A>G, p.Asn550Ser (NM_001243227.2, NM_001348217.1, NM_001369575.1 and 1 more transcripts); c.1739A>G, p.Asn580Ser (NM_001243228.2); c.1700A>G, p.Asn567Ser (NM_001243230.2); c.1583A>G, p.Asn528Ser (NM_001243231.2); c.1508A>G, p.Asn503Ser (NM_001243232.1); c.1319A>G, p.Asn440Ser (NM_001243233.2, NM_001348212.2); c.1241A>G, p.Asn414Ser (NM_001243234.2, NM_001348216.2); and 14 more; short protein forms N574S, N440S, N499S, N528S, N532S, N567S, N570S, N410S.
Identifiers: ClinVar variation 2635279 (VCV002635279.10), dbSNP rs1555710813, ClinGen allele CA319126.
Genomic context (GRCh38, chr18:55,229,005, plus strand): 5'-ATGCGGCCGAGCTCTTTGAAAGCCTCGTTGATGTCACGGACCCGCAGACGCTCTCGGGCA[T>C]TGTTGGCCATCCTCCGCTCCTTCTCACGCTCTGCCTTCTGCTCTGGTGTCAGGTCCTCAT-3'
Protein context (NP_001077431.1, residues 564-584): EREKERRMAN[Asn574Ser]ARERLRVRDI